The following is an entry in ClinVar:

ClinVar aggregate classification (germline): not provided (0 of 4 stars; one submission).

Conditions:
FG syndrome 1 (OKS). Also called: OPITZ-KAVEGGIA SYNDROME; KELLER SYNDROME; MENTAL RETARDATION, LARGE HEAD, IMPERFORATE ANUS, CONGENITAL HYPOTONIA, AND PARTIAL AGENESIS OF CORPUS CALLOSUM; FG Syndrome Type 1 (FGS1). Identifiers: Orphanet 93932, MedGen C5399762, MONDO:0010590, OMIM 305450.

Submission:

GeneReviews
No classification provided. Condition: FG syndrome. Review status: no classification provided. Collection method: literature only. Allele origin: germline.

Literature cited by the submitters: PubMed 33244165; PubMed 20301719.

NM_005120.3(MED12):c.6268C>T (p.Gln2090Ter)

Gene: MED12 (mediator complex subunit 12; plus strand). Cytogenetic location: Xq13.1.
Variant type: single nucleotide variant.
Coding change: c.6268C>T on transcript NM_005120.3 (MANE Select); coding-DNA position 6268, C replaced by T.
Protein change: p.Gln2090Ter; replaces glutamine 2090 with a stop codon.
Molecular consequence: nonsense.
Genome position (GRCh38, 1-based): chrX:71,141,230, C>T. VCF-style: chrX-71141230-C-T. GRCh37 (hg19) VCF-style: chrX-70361080-C-T.
Other names: short protein forms Q2090*.
Identifiers: ClinVar variation 1210255 (VCV001210255.2), dbSNP rs2147841562, ClinGen allele CA413541243.